The following is an entry in ClinVar:

NM_005121.3(MED13):c.1664C>T (p.Pro555Leu)

Gene: MED13 (mediator complex subunit 13; minus strand). Cytogenetic location: 17q23.2.
Variant type: single nucleotide variant.
Coding change: c.1664C>T on transcript NM_005121.3 (MANE Select); coding-DNA position 1664, C replaced by T.
Protein change: p.Pro555Leu; replaces proline 555 with leucine.
Molecular consequence: missense variant.
Genome position (GRCh38, 1-based): chr17:62,010,853, G>A on the plus strand (C>T on the coding strand, the complement: MED13 is on the minus strand). VCF-style: chr17-62010853-G-A. GRCh37 (hg19) VCF-style: chr17-60088214-G-A.
Other names: short protein forms P555L.
Identifiers: ClinVar variation 1310902 (VCV001310902.2), dbSNP rs2143588508, ClinGen allele CA400518462.
Genomic context (GRCh38, chr17:62,010,853, plus strand): 5'-ATTGGTTTAGAAGGAACCAAGGGATCTGGTGTTGGCATTTGATAAAAATGTTGACTCTGA[G>A]GAGTTGAAGGTGTTTTAGTCACTCCTTCATCAACCACATCACAAGGGTGAGGACTAAGTG-3'
Protein context (NP_005112.2, residues 545-565): DEGVTKTPST[Pro555Leu]QSQHFYQMPT

ClinVar aggregate classification (germline): Uncertain significance (1 of 4 stars; one submission).

Submission:

GeneDx
Classification: Uncertain significance. Last evaluated: 2019-12-03. Review status: criteria provided, single submitter. Criteria: GeneDx Variant Classification Process June 2021. Collection method: clinical testing. Allele origin: germline. Affected: yes.
Comment: Not observed in large population cohorts (Lek et al., 2016); In silico analysis, which includes protein predictors and evolutionary conservation, supports a deleterious effect; Has not been previously published as pathogenic or benign to our knowledge